The following is an entry in ClinVar:

NC_000023.10:g.(?_32466553)_(32490446_?)del

Gene: DMD (dystrophin; minus strand). Cytogenetic location: Xp21.1.
Variant type: Deletion.
Identifiers: ClinVar variation 3246343 (VCV003246343.1).

ClinVar aggregate classification (germline): Pathogenic (1 of 4 stars; one submission).

Conditions:
Duchenne muscular dystrophy (DMD). Also called: MUSCULAR DYSTROPHY, PSEUDOHYPERTROPHIC PROGRESSIVE, DUCHENNE TYPE; Duchenne Muscular Dystrophy (DMD). Identifiers: Orphanet 98896, MedGen C0013264, MONDO:0010679, OMIM 310200.

Submission:

Labcorp Genetics (formerly Invitae), Labcorp
Classification: Pathogenic for Duchenne muscular dystrophy. Last evaluated: 2023-11-03. Review status: criteria provided, single submitter. Criteria: Invitae Variant Classification Sherloc (09022015). Collection method: clinical testing. Allele origin: unknown.
Comment: This variant is a gross deletion of the genomic region encompassing exon(s) 22-27 of the DMD gene. This deletion is out-of-frame, and is expected to create a premature termination codon and result in an absent or disrupted protein product. Loss-of-function variants in DMD are known to be pathogenic (PMID: 16770791, 25007885). A similar copy number variant has been observed in individual(s) with DMD-related conditions (PMID: 29578119). For these reasons, this variant has been classified as Pathogenic.

Literature cited by the submitters: PubMed 16770791; PubMed 25007885; PubMed 29578119.